The following is an entry in ClinVar:

ClinVar aggregate classification (germline): Conflicting classifications of pathogenicity. Review status: criteria provided, conflicting classifications (1 of 4 stars). 2 submissions from 2 submitters: Uncertain significance (1); Likely benign (1). Last evaluated 2024-10-24.

Allele frequency attached by ClinVar (database versions not stated): gnomAD exomes below 0.00001.
gnomAD v4.1: 3 of 1,613,918 alleles (0.00019%); highest among the groups gnomAD compares: Non-Finnish European, 0.000085%; no homozygotes.

Submissions (2):

Labcorp Genetics (formerly Invitae), Labcorp
Classification: Likely benign. Last evaluated: 2024-10-24. Review status: criteria provided, single submitter. Criteria: Invitae Variant Classification Sherloc (09022015). Collection method: clinical testing. Allele origin: germline.

GeneDx
Classification: Uncertain significance. Last evaluated: 2020-02-14. Review status: criteria provided, single submitter. Criteria: GeneDx Variant Classification Process June 2021. Collection method: clinical testing. Allele origin: germline. Affected: yes.
Comment: Not observed in large population cohorts (Lek et al., 2016); In silico analysis supports a deleterious effect on splicing; Has not been previously published as pathogenic or benign to our knowledge

NM_004958.4(MTOR):c.1412+5G>A

Gene: MTOR (mechanistic target of rapamycin kinase; minus strand). Cytogenetic location: 1p36.22.
Variant type: single nucleotide variant.
Coding change: c.1412+5G>A on transcript NM_004958.4 (MANE Select); 5 bases into the intron after coding-DNA position 1412, G replaced by A.
Molecular consequence: intron variant.
Genome position (GRCh38, 1-based): chr1:11,243,109, C>T on the plus strand (G>A on the coding strand, the complement: MTOR is on the minus strand). VCF-style: chr1-11243109-C-T. GRCh37 (hg19) VCF-style: chr1-11303166-C-T.
Other names: c.164+5G>A (NM_001386501.1); c.1412+5G>A (NM_001386500.1).
Identifiers: ClinVar variation 1308785 (VCV001308785.5), dbSNP rs2100921727, ClinGen allele CA2573051341.
Genomic context (GRCh38, chr1:11,243,109, plus strand): 5'-AAATAGAGCGTCCTTCCTCTCCAACCAAATGGAGTGGAAGGTGAAATCATAACAGAGGTG[C>T]TTACTTATGGGCGAAGTCCTTTGGGGGCAGGGCCGCTCGGATGATGTCCAGCACGCGAGG-3'